The following is an entry in ClinVar:

ClinVar aggregate classification (germline): Uncertain significance (1 of 4 stars; one submission).

Conditions:
Inborn genetic diseases. Identifiers: MedGen C0950123, MeSH D030342.

gnomAD v4.1: 1 of 1,613,792 alleles (0.000062%); highest among the groups gnomAD compares: Admixed American, 0.0017%; no homozygotes.

Submission:

Ambry Genetics
Classification: Uncertain significance for Inborn genetic diseases. Last evaluated: 2026-01-20. Review status: criteria provided, single submitter. Criteria: Ambry Variant Classification Scheme 2023. Collection method: clinical testing. Allele origin: germline.
Comment: The p.P1407L variant (also known as c.4220C>T), located in coding exon 1 of the SAMD9 gene, results from a C to T substitution at nucleotide position 4220. The proline at codon 1407 is replaced by leucine, an amino acid with similar properties. This amino acid position is conserved. In addition, this alteration is predicted to be tolerated by in silico analysis. Based on the available evidence, the clinical significance of this variant remains unclear.

NM_017654.4(SAMD9):c.4220C>T (p.Pro1407Leu)

Gene: SAMD9 (sterile alpha motif domain containing 9; minus strand). Cytogenetic location: 7q21.2.
Variant type: single nucleotide variant.
Coding change: c.4220C>T on transcript NM_017654.4 (MANE Select); coding-DNA position 4220, C replaced by T.
Protein change: p.Pro1407Leu; replaces proline 1407 with leucine.
Molecular consequence: missense variant.
Genome position (GRCh38, 1-based): chr7:93,101,878, G>A on the plus strand (C>T on the coding strand, the complement: SAMD9 is on the minus strand). VCF-style: chr7-93101878-G-A. GRCh37 (hg19) VCF-style: chr7-92731191-G-A.
Other names: c.4220C>T, p.Pro1407Leu (NM_001193307.2); short protein forms P1407L.
Identifiers: ClinVar variation 4824679 (VCV004824679.1).